The following is an entry in ClinVar:

NM_015102.5(NPHP4):c.1585G>C (p.Gly529Arg)

Gene: NPHP4 (nephrocystin 4; minus strand). Cytogenetic location: 1p36.31.
Variant type: single nucleotide variant.
Coding change: c.1585G>C on transcript NM_015102.5 (MANE Select); coding-DNA position 1585, G replaced by C.
Protein change: p.Gly529Arg; replaces glycine 529 with arginine.
Molecular consequence: missense variant. On other transcripts: non-coding transcript variant (1), intron variant (2).
Genome position (GRCh38, 1-based): chr1:5,907,141, C>G on the plus strand (G>C on the coding strand, the complement: NPHP4 is on the minus strand). VCF-style: chr1-5907141-C-G. GRCh37 (hg19) VCF-style: chr1-5967201-C-G.
Other names: c.76-1358G>C (NM_001291594.2); c.76-1361G>C (NM_001291593.2); short protein forms G529R.
Identifiers: ClinVar variation 1398799 (VCV001398799.6), dbSNP rs750626428, ClinGen allele CA17125474.

ClinVar aggregate classification (germline): Uncertain significance (1 of 4 stars; one submission).

Conditions:
Nephronophthisis. Also called: Juvenile Nephronophthisis. Identifiers: Orphanet 655, MedGen C0687120, MONDO:0019005, HP:0000090.

gnomAD v4.1: 4 of 1,568,674 alleles (0.00025%); highest among the groups gnomAD compares: Non-Finnish European, 0.00035%; no homozygotes.

Submission:

Labcorp Genetics (formerly Invitae), Labcorp
Classification: Uncertain significance for Nephronophthisis. Last evaluated: 2021-08-04. Review status: criteria provided, single submitter. Criteria: Invitae Variant Classification Sherloc (09022015). Collection method: clinical testing. Allele origin: germline.
Comment: In summary, the available evidence is currently insufficient to determine the role of this variant in disease. Therefore, it has been classified as a Variant of Uncertain Significance. Algorithms developed to predict the effect of missense changes on protein structure and function are either unavailable or do not agree on the potential impact of this missense change (SIFT: "Tolerated"; PolyPhen-2: "Possibly Damaging"; Align-GVGD: "Class C0"). This variant has not been reported in the literature in individuals affected with NPHP4-related conditions. This variant is not present in population databases (ExAC no frequency). This sequence change replaces glycine with arginine at codon 529 of the NPHP4 protein (p.Gly529Arg). The glycine residue is weakly conserved and there is a moderate physicochemical difference between glycine and arginine.